The following is an entry in ClinVar:

NM_198253.3(TERT):c.2130+1G>C

Gene: TERT (telomerase reverse transcriptase; minus strand). Cytogenetic location: 5p15.33.
Variant type: single nucleotide variant.
Coding change: c.2130+1G>C on transcript NM_198253.3 (MANE Select); the canonical splice donor site of the intron after coding-DNA position 2130, G replaced by C.
Molecular consequence: splice donor variant.
Genome position (GRCh38, 1-based): chr5:1,279,290, C>G on the plus strand (G>C on the coding strand, the complement: TERT is on the minus strand). VCF-style: chr5-1279290-C-G. GRCh37 (hg19) VCF-style: chr5-1279405-C-G.
Other names: c.2130+1G>C (NM_001193376.3).
Identifiers: ClinVar variation 2065745 (VCV002065745.4), dbSNP rs1749840545, ClinGen allele CA359079907.

ClinVar aggregate classification (germline): Likely pathogenic (1 of 4 stars; one submission).

Conditions:
Dyskeratosis congenita, autosomal dominant 2. Identifiers: MedGen C3151443, MONDO:0013521, OMIM 613989.
Idiopathic Pulmonary Fibrosis. Also called: Idiopathic fibrosing alveolitis, chronic form; idiopathic fibrosing alveolitis. Identifiers: Orphanet 2032, MedGen C1800706, MeSH D054990, MONDO:0800504.

Submission:

Labcorp Genetics (formerly Invitae), Labcorp
Classification: Likely pathogenic for Dyskeratosis congenita, autosomal dominant 2; Idiopathic Pulmonary Fibrosis. Last evaluated: 2022-12-01. Review status: criteria provided, single submitter. Criteria: Invitae Variant Classification Sherloc (09022015). Collection method: clinical testing. Allele origin: germline.
Comment: In summary, the currently available evidence indicates that the variant is pathogenic, but additional data are needed to prove that conclusively. Therefore, this variant has been classified as Likely Pathogenic. Algorithms developed to predict the effect of sequence changes on RNA splicing suggest that this variant may disrupt the consensus splice site. This variant has not been reported in the literature in individuals affected with TERT-related conditions. This variant is not present in population databases (gnomAD no frequency). This sequence change affects a donor splice site in intron 5 of the TERT gene. It is expected to disrupt RNA splicing. Variants that disrupt the donor or acceptor splice site typically lead to a loss of protein function (PMID: 16199547), and loss-of-function variants in TERT are known to be pathogenic (PMID: 16247010, 17460043).

Literature cited by the submitters: PubMed 16199547; PubMed 16247010; PubMed 17460043.